The following is an entry in ClinVar:

NM_201384.3(PLEC):c.9192C>T (p.Thr3064=)

Gene: PLEC (plectin; minus strand). Cytogenetic location: 8q24.3.
Variant type: single nucleotide variant.
Coding change: c.9192C>T on transcript NM_201384.3 (MANE Select); coding-DNA position 9192, C replaced by T.
Protein change: p.Thr3064=; no amino-acid change (threonine 3064 retained).
Molecular consequence: synonymous variant.
Genome position (GRCh38, 1-based): chr8:143,920,629, G>A on the plus strand (C>T on the coding strand, the complement: PLEC is on the minus strand). VCF-style: chr8-143920629-G-A. GRCh37 (hg19) VCF-style: chr8-144994797-G-A.
Other names: c.9273C>T, p.Thr3091= (NM_000445.5); c.9150C>T, p.Thr3050= (NM_201378.4); c.9126C>T, p.Thr3042= (NM_201379.3); c.9603C>T, p.Thr3201= (NM_201380.4); c.9096C>T, p.Thr3032= (NM_201381.3); c.9192C>T, p.Thr3064= (NM_201382.4); c.9204C>T, p.Thr3068= (NM_201383.3).
Identifiers: ClinVar variation 594663 (VCV000594663.17), dbSNP rs781876705, ClinGen allele CA4925045.

ClinVar aggregate classification (germline): Conflicting classifications of pathogenicity. Review status: criteria provided, conflicting classifications (1 of 4 stars). 4 submissions from 4 submitters: Uncertain significance (1); Likely benign (3). Last evaluated 2026-01-12.

Conditions:
PLEC-related disorder. Also called: PLEC-related disorders; PLEC-related condition.
Epidermolysis bullosa simplex 5C, with pyloric atresia (EBS5C). Also called: PLEC-Related Epidermolysis Bullosa with Pyloric Atresia; PLEC1-Related Epidermolysis Bullosa with Pyloric Atresia; Epidermolysis bullosa simplex with pyloric atresia. Identifiers: Orphanet 158684, MedGen C2677349, MONDO:0012807, OMIM 612138.
Epidermolysis bullosa simplex, Ogna type (EBS5A). Also called: Pidermolysis bullosa simplex 5A, Ogna type; EPIDERMOLYSIS BULLOSA SIMPLEX 5A, OGNA TYPE. Identifiers: Orphanet 79401, MedGen C0432317, MONDO:0007555, OMIM 131950.
Epidermolysis bullosa simplex 5B, with muscular dystrophy (EBS5B). Also called: Epidermolysis bullosa simplex with muscular dystrophy; EPIDERMOLYSIS BULLOSA SIMPLEX AND LIMB-GIRDLE MUSCULAR DYSTROPHY. Identifiers: Orphanet 257, MedGen C2931072, MONDO:0009181, OMIM 226670.
Epidermolysis bullosa simplex with nail dystrophy (EBS5D). Identifiers: MedGen C4225309, MONDO:0014661, OMIM 616487.
Autosomal recessive limb-girdle muscular dystrophy type 2Q (LGMDR17). Also called: MUSCULAR DYSTROPHY, LIMB-GIRDLE, AUTOSOMAL RECESSIVE 17. Identifiers: Orphanet 254361, MedGen C3150989, MONDO:0013390, OMIM 613723.

Allele frequency attached by ClinVar (database versions not stated): gnomAD exomes 0.00001 and 0.00003; ExAC 0.00002; TOPMed 0.00003; gnomAD 0.00005 and 0.00006.
gnomAD v4.1: 26 of 1,606,490 alleles (0.0016%); highest among the groups gnomAD compares: East Asian, 0.016%; no homozygotes.

Submissions (4):

Labcorp Genetics (formerly Invitae), Labcorp
Classification: Likely benign for Autosomal recessive limb-girdle muscular dystrophy type 2Q; Epidermolysis bullosa simplex, Ogna type; Epidermolysis bullosa simplex with nail dystrophy; Epidermolysis bullosa simplex 5C, with pyloric atresia; Epidermolysis bullosa simplex 5B, with muscular dystrophy. Last evaluated: 2026-01-12. Review status: criteria provided, single submitter. Criteria: Invitae Variant Classification Sherloc (09022015). Collection method: clinical testing. Allele origin: germline.

PreventionGenetics, part of Exact Sciences
Classification: Likely benign for PLEC-related condition. Last evaluated: 2025-12-08. Review status: criteria provided, single submitter. Criteria: ACMG Guidelines, 2015. Collection method: clinical testing. Allele origin: germline.
Comment: This variant is classified as likely benign based on ACMG/AMP sequence variant interpretation guidelines (Richards et al. 2015 PMID: 25741868, with internal and published modifications).

Women's Health and Genetics/Laboratory Corporation of America, LabCorp
Classification: Likely benign. Last evaluated: 2025-09-24. Review status: criteria provided, single submitter. Criteria: LabCorp Variant Classification Summary - May 2015. Collection method: clinical testing. Allele origin: germline.

Eurofins Ntd Llc (ga)
Classification: Uncertain significance. Last evaluated: 2017-11-02. Review status: criteria provided, single submitter. Criteria: EGL Classification Definitions 2015. Collection method: clinical testing. Allele origin: germline. Observed: 1 variant allele, 1 heterozygote.